The following is an entry in ClinVar:

NM_000069.3(CACNA1S):c.4634G>T (p.Gly1545Val)

Gene: CACNA1S (calcium voltage-gated channel subunit alpha1 S; minus strand). Cytogenetic location: 1q32.1.
Variant type: single nucleotide variant.
Coding change: c.4634G>T on transcript NM_000069.3 (MANE Select); coding-DNA position 4634, G replaced by T.
Protein change: p.Gly1545Val; replaces glycine 1545 with valine.
Molecular consequence: missense variant.
Genome position (GRCh38, 1-based): chr1:201,047,149, C>A on the plus strand (G>T on the coding strand, the complement: CACNA1S is on the minus strand). VCF-style: chr1-201047149-C-A. GRCh37 (hg19) VCF-style: chr1-201016277-C-A.
Other names: short protein forms G1545V.
Identifiers: ClinVar variation 2930301 (VCV002930301.5), dbSNP rs955870765, ClinGen allele CA35996116.

ClinVar aggregate classification (germline): Uncertain significance. Review status: criteria provided, multiple submitters, no conflicts (2 of 4 stars). 3 submissions from 3 submitters: Uncertain significance (3). Last evaluated 2024-02-22.

Conditions:
Malignant hyperthermia, susceptibility to, 5 (MHS5). Also called: CACNA1S-Related Malignant Hyperthermia Susceptibility. Identifiers: Orphanet 423, MedGen C1866077, MONDO:0011163, OMIM 601887.
Hypokalemic periodic paralysis, type 1. Also called: Hypokalemic Periodic Paralysis Type 1 (AD); HypoPP. Identifiers: Orphanet 681, MedGen C3714580, MONDO:0042979, OMIM 170400.

gnomAD v4.1: 8 of 1,614,050 alleles (0.0005%); highest among the groups gnomAD compares: Non-Finnish European, 0.00068%; no homozygotes.

Submissions (3):

All of Us Research Program, National Institutes of Health
Classification: Uncertain significance for Malignant hyperthermia, susceptibility to, 5. Last evaluated: 2024-02-22. Review status: criteria provided, single submitter. Criteria: ACMG Guidelines, 2015. Collection method: clinical testing. Allele origin: germline. Inheritance: Autosomal dominant inheritance. Observed: 2 variant alleles, 2 heterozygotes.
Comment: This missense variant replaces glycine with valine at codon 1545 of the CACNA1S protein. Computational prediction suggests that this variant may not impact protein structure and function (internally defined REVEL score threshold <= 0.5, PMID: 27666373). To our knowledge, functional studies have not been reported for this variant. This variant has not been reported in individuals affected with CACNA1S-related disorders in the literature. This variant has been identified in 2/31396 chromosomes in the general population by the Genome Aggregation Database (gnomAD). The available evidence is insufficient to determine the role of this variant in disease conclusively. Therefore, this variant is classified as a Variant of Uncertain Significance.

This study involves interpretation of variants in research participants for the purpose of population health screening. Participant phenotype was not available at the time of variant classification. Additional details can be found in publication PMID: 35346344, PMCID: PMC8962531

Color Diagnostics, LLC DBA Color Health
Classification: Uncertain significance for Malignant hyperthermia, susceptibility to, 5. Last evaluated: 2024-02-13. Review status: criteria provided, single submitter. Criteria: ACMG Guidelines, 2015. Collection method: clinical testing. Allele origin: germline.
Comment: This missense variant replaces glycine with valine at codon 1545 of the CACNA1S protein. Computational prediction suggests that this variant may not impact protein structure and function. To our knowledge, functional studies have not been reported for this variant. This variant has not been reported in individuals affected with CACNA1S-related disorders in the literature. This variant has been identified in 2/31396 chromosomes in the general population by the Genome Aggregation Database (gnomAD). The available evidence is insufficient to determine the role of this variant in disease conclusively. Therefore, this variant is classified as a Variant of Uncertain Significance.

Labcorp Genetics (formerly Invitae), Labcorp
Classification: Uncertain significance for Hypokalemic periodic paralysis, type 1; Malignant hyperthermia, susceptibility to, 5. Last evaluated: 2023-07-25. Review status: criteria provided, single submitter. Criteria: Invitae Variant Classification Sherloc (09022015). Collection method: clinical testing. Allele origin: germline.
Comment: In summary, the available evidence is currently insufficient to determine the role of this variant in disease. Therefore, it has been classified as a Variant of Uncertain Significance. Advanced modeling of protein sequence and biophysical properties (such as structural, functional, and spatial information, amino acid conservation, physicochemical variation, residue mobility, and thermodynamic stability) performed at Invitae indicates that this missense variant is not expected to disrupt CACNA1S protein function. This variant has not been reported in the literature in individuals affected with CACNA1S-related conditions. This variant is present in population databases (no rsID available, gnomAD 0.01%). This sequence change replaces glycine, which is neutral and non-polar, with valine, which is neutral and non-polar, at codon 1545 of the CACNA1S protein (p.Gly1545Val).